The following is an entry in ClinVar:

NM_014159.7(SETD2):c.4327G>T (p.Ala1443Ser)

Gene: SETD2 (SET domain containing 2, histone lysine methyltransferase; minus strand). Cytogenetic location: 3p21.31.
Variant type: single nucleotide variant.
Coding change: c.4327G>T on transcript NM_014159.7 (MANE Select); coding-DNA position 4327, G replaced by T.
Protein change: p.Ala1443Ser; replaces alanine 1443 with serine.
Molecular consequence: missense variant. On other transcripts: non-coding transcript variant (1).
Genome position (GRCh38, 1-based): chr3:47,120,309, C>A on the plus strand (G>T on the coding strand, the complement: SETD2 is on the minus strand). VCF-style: chr3-47120309-C-A. GRCh37 (hg19) VCF-style: chr3-47161799-C-A.
Other names: c.4195G>T, p.Ala1399Ser (NM_001349370.3); short protein forms A1399S, A1443S.
Identifiers: ClinVar variation 2571177 (VCV002571177.27), dbSNP rs2107740120, ClinGen allele CA352517723.
Genomic context (GRCh38, chr3:47,120,309, plus strand): 5'-ATTCCTTCCATCGCTGTGGGTCCCTGAAGTCATCCATGACACAGGAGGGCCCAACCAGTG[C>A]TGAACCTGGGGGCACTGATGTCTCTCCCTGCTCTACCTCCACTCTAACTTTCTTTCTGTC-3'
Protein context (NP_054878.5, residues 1433-1453): QGETSVPPGS[Ala1443Ser]LVGPSCVMDD

ClinVar aggregate classification (germline): Uncertain significance (1 of 4 stars; one submission).

Allele frequency attached by ClinVar (database versions not stated): gnomAD exomes below 0.00001.
gnomAD v4.1: 1 of 1,613,994 alleles (0.000062%); highest among the groups gnomAD compares: Non-Finnish European, 0.000085%; no homozygotes.

Submission:

CeGaT Center for Human Genetics Tuebingen
Classification: Uncertain significance. Last evaluated: 2023-05-01. Review status: criteria provided, single submitter. Criteria: CeGaT Center For Human Genetics Tuebingen Variant Classification Criteria Version 2. Collection method: clinical testing. Allele origin: germline. Affected: yes. Observed: 1 variant allele.
Comment: SETD2: PM2, BP4